The following is an entry in ClinVar:

ClinVar aggregate classification (germline): Likely benign (0 of 4 stars; one submission).

Conditions:
SYN2-related disorder. Also called: SYN2-related condition.

Submission:

PreventionGenetics, part of Exact Sciences
Classification: Likely benign for SYN2-related condition. Last evaluated: 2019-07-10. Review status: no assertion criteria provided. Collection method: clinical testing. Allele origin: germline.
Comment: This variant is classified as likely benign based on ACMG/AMP sequence variant interpretation guidelines (Richards et al. 2015 PMID: 25741868, with internal and published modifications).

NM_133625.6(SYN2):c.1370-4del

Gene: SYN2 (synapsin II; plus strand). Cytogenetic location: 3p25.2.
Variant type: Deletion.
Coding change: c.1370-4del on transcript NM_133625.6 (MANE Select); 4 bases into the intron before coding-DNA position 1370, one base deleted (C; older notation c.1370-4delC).
Molecular consequence: intron variant.
Genome position (GRCh38, 1-based): chr3:12,187,365, C deleted; the last of 2 consecutive C bases (chr3:12,187,364-12,187,365); deleting either gives the same sequence. VCF-style (leftmost placement, unchanged base first): chr3-12187363-AC-A. GRCh37 (hg19) VCF-style: chr3-12228863-AC-A.
Identifiers: ClinVar variation 3050302 (VCV003050302.2), dbSNP rs749315558, ClinGen allele CA2257905.
Genomic context (GRCh38, chr3:12,187,363, plus strand): 5'-ATAAATTCTAATAAGGAAACATTTTTATATGGTTAAATTATGAAGTTTTTCTTGTACTGA[AC>A]CTAGGGGGCCCTGGGCAACCCCAAGGAATGCAGCCCCCAGGCAAGGTGCTGCCTCCACGC-3'